The following is an entry in ClinVar:

ClinVar aggregate classification (germline): Uncertain significance (1 of 4 stars; one submission).

Conditions:
Beckwith-Wiedemann syndrome (BWS). Also called: EMG SYNDROME; Exomphalos macroglossia gigantism syndrome. Identifiers: Orphanet 116, MedGen C0004903, MONDO:0007534, OMIM 130650.

Allele frequency attached by ClinVar (database versions not stated): gnomAD exomes below 0.00001.

Submission:

Labcorp Genetics (formerly Invitae), Labcorp
Classification: Uncertain significance for Beckwith-Wiedemann syndrome. Last evaluated: 2024-06-19. Review status: criteria provided, single submitter. Criteria: Invitae Variant Classification Sherloc (09022015). Collection method: clinical testing. Allele origin: germline.
Comment: This sequence change replaces alanine, which is neutral and non-polar, with proline, which is neutral and non-polar, at codon 157 of the CDKN1C protein (p.Ala157Pro). This variant is not present in population databases (gnomAD no frequency). This variant has not been reported in the literature in individuals affected with CDKN1C-related conditions. ClinVar contains an entry for this variant (Variation ID: 952588). Experimental studies and prediction algorithms are not available or were not evaluated, and the functional significance of this variant is currently unknown. In summary, the available evidence is currently insufficient to determine the role of this variant in disease. Therefore, it has been classified as a Variant of Uncertain Significance.

NM_001122630.2(CDKN1C):c.436G>C (p.Ala146Pro)

Gene: CDKN1C (cyclin dependent kinase inhibitor 1C; minus strand). Cytogenetic location: 11p15.4.
Variant type: single nucleotide variant.
Coding change: c.436G>C on transcript NM_001122630.2 (MANE Select); coding-DNA position 436, G replaced by C.
Protein change: p.Ala146Pro; replaces alanine 146 with proline.
Molecular consequence: missense variant. On other transcripts: intron variant (1).
Genome position (GRCh38, 1-based): chr11:2,885,021, C>G on the plus strand (G>C on the coding strand, the complement: CDKN1C is on the minus strand). VCF-style: chr11-2885021-C-G. GRCh37 (hg19) VCF-style: chr11-2906251-C-G.
Other names: c.469G>C, p.Ala157Pro (NM_000076.2, NM_001362474.2); c.436G>C, p.Ala146Pro (NM_001122631.2); c.255+181G>C (NM_001362475.2); short protein forms A146P, A157P.
Identifiers: ClinVar variation 952588 (VCV000952588.7), dbSNP rs1848952005, ClinGen allele CA379146638.